The following is an entry in ClinVar:

NM_002465.4(MYBPC1):c.556+9G>A

Gene: MYBPC1 (myosin binding protein C1; plus strand). Cytogenetic location: 12q23.2.
Variant type: single nucleotide variant.
Coding change: c.556+9G>A on transcript NM_002465.4 (MANE Select); 9 bases into the intron after coding-DNA position 556, G replaced by A.
Molecular consequence: intron variant.
Genome position (GRCh38, 1-based): chr12:101,632,147, G>A. VCF-style: chr12-101632147-G-A. GRCh37 (hg19) VCF-style: chr12-102025925-G-A.
Other names: p.?; c.556+9G>A (NM_206819.4, NM_001404675.1); c.481+9G>A (NM_001254718.3, NM_206820.4, NM_001254719.3 and 4 more transcripts); c.445+9G>A (NM_001254720.3); c.442+9G>A (NM_001254723.3); c.403+9G>A (NM_001254722.3, NM_001404680.1, NM_001404679.1 and 2 more transcripts).
Identifiers: ClinVar variation 306722 (VCV000306722.15), dbSNP rs112788142, ClinGen allele CA6744544.

ClinVar aggregate classification (germline): Benign. Review status: criteria provided, multiple submitters, no conflicts (2 of 4 stars). 6 submissions from 6 submitters: Benign (6). Last evaluated 2022-03-23.

Conditions:
Arthrogryposis, distal, type 1B. Identifiers: Orphanet 1146, MedGen C3280526, MONDO:0013698, OMIM 614335.

Allele frequency attached by ClinVar (database versions not stated): gnomAD 0.01527 and 0.01444; gnomAD exomes 0.00144 and 0.00387; 1000 Genomes Project 30x 0.01921; ExAC 0.00461; ESP Exome Variant Server 0.01476; TOPMed 0.01598; 1000 Genomes Project 0.01837.
gnomAD v4.1: 4,325 of 1,566,610 alleles (0.28%); highest among the groups gnomAD compares: African/African-American, 5.1%; 112 homozygotes.

Submissions (6):

Mayo Clinic Laboratories, Mayo Clinic
Classification: Benign. Last evaluated: 2022-03-23. Review status: criteria provided, single submitter. Criteria: ACMG Guidelines, 2015. Collection method: clinical testing. Allele origin: germline. Observed: 3 variant alleles.

GeneDx
Classification: Benign. Last evaluated: 2021-01-25. Review status: criteria provided, single submitter. Criteria: GeneDx Variant Classification Process June 2021. Collection method: clinical testing. Allele origin: germline. Affected: yes.

Labcorp Genetics (formerly Invitae), Labcorp
Classification: Benign. Last evaluated: 2019-12-31. Review status: criteria provided, single submitter. Criteria: Invitae Variant Classification Sherloc (09022015). Collection method: clinical testing. Allele origin: germline.

Illumina Laboratory Services, Illumina
Classification: Benign for Arthrogryposis, distal, type 1B. Last evaluated: 2018-01-13. Review status: criteria provided, single submitter. Criteria: ICSL Variant Classification Criteria 13 December 2019. Collection method: clinical testing. Allele origin: germline.
Comment: This variant was observed in the ICSL laboratory as part of a predisposition screen in an ostensibly healthy population. It had not been previously curated by ICSL or reported in the Human Gene Mutation Database (HGMD: prior to June 1st, 2018), and was therefore a candidate for classification through an automated scoring system. Utilizing variant allele frequency, disease prevalence and penetrance estimates, and inheritance mode, an automated score was calculated to assess if this variant is too frequent to cause the disease. Based on the score and internal cut-off values, a variant classified as benign is not then subjected to further curation. The score for this variant resulted in a classification of benign for this disease.

Center for Pediatric Genomic Medicine, Children's Mercy Hospital and Clinics
Classification: Benign. Last evaluated: 2017-04-13. Review status: criteria provided, single submitter. Criteria: ACMG Guidelines, 2015. Collection method: clinical testing. Allele origin: germline.

Breakthrough Genomics
Classification: Benign. Review status: criteria provided, single submitter. Criteria: ACMG Guidelines, 2015. Collection method: not provided. Allele origin: germline. Inheritance: Autosomal recessive inheritance. Affected: yes.